The following is an entry in ClinVar:

ClinVar aggregate classification (germline): Conflicting classifications of pathogenicity. Review status: criteria provided, conflicting classifications (1 of 4 stars). 2 submissions from 2 submitters: Uncertain significance (1); Likely benign (1). Last evaluated 2026-01-08.

Conditions:
Cardiovascular phenotype. Identifiers: MedGen CN230736.
Cardiomyopathy (CMYO). Also called: Cardiomyopathies. Identifiers: Orphanet 167848, MedGen C0878544, MONDO:0004994, HP:0001638. Inheritance: Various modes of inheritance.

Allele frequency attached by ClinVar (database versions not stated): gnomAD exomes below 0.00001.
gnomAD v4.1: 2 of 1,612,440 alleles (0.00012%); highest among the groups gnomAD compares: Non-Finnish European, 0.00017%; no homozygotes.

Submissions (2):

Ambry Genetics
Classification: Uncertain significance for Cardiovascular phenotype. Last evaluated: 2026-01-08. Review status: criteria provided, single submitter. Criteria: Ambry Variant Classification Scheme 2023. Collection method: clinical testing. Allele origin: germline.
Comment: The c.7125G>A variant (also known as p.E2375E), located in coding exon 47 of the RYR2 gene, results from a G to A substitution at nucleotide position 7125. This nucleotide substitution does not change the amino acid at codon 2375. This nucleotide position is poorly conserved in available vertebrate species. In silico splice site analysis for this alteration is inconclusive. Based on the available evidence, the clinical significance of this variant remains unclear.

Color Diagnostics, LLC DBA Color Health
Classification: Likely benign for Cardiomyopathy. Last evaluated: 2019-10-01. Review status: criteria provided, single submitter. Criteria: ACMG Guidelines, 2015. Collection method: clinical testing. Allele origin: germline.

NM_001035.3(RYR2):c.7125G>A (p.Glu2375=)

Gene: RYR2 (ryanodine receptor 2; plus strand). Cytogenetic location: 1q43.
Variant type: single nucleotide variant.
Coding change: c.7125G>A on transcript NM_001035.3 (MANE Select); coding-DNA position 7125, G replaced by A.
Protein change: p.Glu2375=; no amino-acid change (glutamic acid 2375 retained).
Molecular consequence: synonymous variant.
Genome position (GRCh38, 1-based): chr1:237,640,906, G>A. VCF-style: chr1-237640906-G-A. GRCh37 (hg19) VCF-style: chr1-237804206-G-A.
Other names: c.7125G>A (NM_001035.2).
Identifiers: ClinVar variation 922244 (VCV000922244.3), dbSNP rs1681399039, ClinGen allele CA423819283.